The following is an entry in ClinVar:

ClinVar aggregate classification (germline): Likely benign (1 of 4 stars; one submission).

Allele frequency attached by ClinVar (database versions not stated): gnomAD 0.00002; gnomAD exomes 0.00004; ExAC 0.00007; ESP Exome Variant Server 0.00016.
gnomAD v4.1: 58 of 1,613,386 alleles (0.0036%); highest among the groups gnomAD compares: South Asian, 0.0077%; no homozygotes.

Submission:

CeGaT Center for Human Genetics Tuebingen
Classification: Likely benign. Last evaluated: 2022-10-01. Review status: criteria provided, single submitter. Criteria: CeGaT Center For Human Genetics Tuebingen Variant Classification Criteria Version 2. Collection method: clinical testing. Allele origin: germline. Affected: yes. Observed: 1 variant allele.
Comment: MYH7B: BP4, BP7

NM_020884.7(MYH7B):c.3837C>T (p.Asp1279=)

Gene: MYH7B (myosin heavy chain 7B; plus strand). Cytogenetic location: 20q11.22.
Variant type: single nucleotide variant.
Coding change: c.3837C>T on transcript NM_020884.7 (MANE Select); coding-DNA position 3837, C replaced by T.
Protein change: p.Asp1279=; no amino-acid change (aspartic acid 1279 retained).
Molecular consequence: synonymous variant.
Genome position (GRCh38, 1-based): chr20:34,998,384, C>T. VCF-style: chr20-34998384-C-T. GRCh37 (hg19) VCF-style: chr20-33586187-C-T.
Identifiers: ClinVar variation 2652275 (VCV002652275.24), dbSNP rs371405983, ClinGen allele CA9827873.